The following is an entry in ClinVar:

NM_031885.5(BBS2):c.718-2A>C

Gene: BBS2 (Bardet-Biedl syndrome 2; minus strand). Cytogenetic location: 16q13.
Variant type: single nucleotide variant.
Coding change: c.718-2A>C on transcript NM_031885.5 (MANE Select); the canonical splice acceptor site of the intron before coding-DNA position 718, A replaced by C.
Molecular consequence: splice acceptor variant.
Genome position (GRCh38, 1-based): chr16:56,506,038, T>G on the plus strand (A>C on the coding strand, the complement: BBS2 is on the minus strand). VCF-style: chr16-56506038-T-G. GRCh37 (hg19) VCF-style: chr16-56539950-T-G.
Other names: c.718-2A>C (NM_001377456.1).
Identifiers: ClinVar variation 942600 (VCV000942600.9), dbSNP rs1964413705, ClinGen allele CA395982863.

ClinVar aggregate classification (germline): Pathogenic/Likely pathogenic. Review status: criteria provided, multiple submitters, no conflicts (2 of 4 stars). 2 submissions from 2 submitters: Pathogenic (1); Likely pathogenic (1). Last evaluated 2023-09-18.

Conditions:
Bardet-Biedl syndrome (BBS). Identifiers: Orphanet 110, MedGen C0752166, MONDO:0015229.
Bardet-Biedl syndrome 2 (BBS2). Identifiers: Orphanet 110, MedGen C2936863, MONDO:0014432, OMIM 615981.

Submissions (2):

Baylor Genetics
Classification: Likely pathogenic for Bardet-Biedl syndrome 2. Last evaluated: 2023-09-18. Review status: criteria provided, single submitter. Criteria: ACMG Guidelines, 2015. Collection method: clinical testing. Allele origin: unknown.

Labcorp Genetics (formerly Invitae), Labcorp
Classification: Pathogenic for Bardet-Biedl syndrome. Last evaluated: 2022-08-23. Review status: criteria provided, single submitter. Criteria: Invitae Variant Classification Sherloc (09022015). Collection method: clinical testing. Allele origin: germline.
Comment: This sequence change affects an acceptor splice site in intron 6 of the BBS2 gene. It is expected to disrupt RNA splicing. Variants that disrupt the donor or acceptor splice site typically lead to a loss of protein function (PMID: 16199547), and loss-of-function variants in BBS2 are known to be pathogenic (PMID: 11285252, 20177705, 24608809, 26518167). This variant is not present in population databases (gnomAD no frequency). Disruption of this splice site has been observed in individual(s) with Bardet-Biedl syndrome (Invitae). ClinVar contains an entry for this variant (Variation ID: 942600). Algorithms developed to predict the effect of sequence changes on RNA splicing suggest that this variant may disrupt the consensus splice site. For these reasons, this variant has been classified as Pathogenic.

Literature cited by the submitters: PubMed 16199547 (cited by Labcorp Genetics (formerly Invitae), Labcorp); PubMed 11285252 (cited by Labcorp Genetics (formerly Invitae), Labcorp); PubMed 20177705 (cited by Labcorp Genetics (formerly Invitae), Labcorp); PubMed 24608809 (cited by Labcorp Genetics (formerly Invitae), Labcorp); PubMed 26518167 (cited by Labcorp Genetics (formerly Invitae), Labcorp).